The following is an entry in ClinVar:

ClinVar aggregate classification (germline): Uncertain significance (1 of 4 stars; one submission).

Allele frequency attached by ClinVar (database versions not stated): gnomAD exomes below 0.00001.
gnomAD v4.1: 1 of 1,613,818 alleles (0.000062%); highest among the groups gnomAD compares: Non-Finnish European, 0.000085%; no homozygotes.

Submission:

Labcorp Genetics (formerly Invitae), Labcorp
Classification: Uncertain significance. Last evaluated: 2023-02-16. Review status: criteria provided, single submitter. Criteria: Invitae Variant Classification Sherloc (09022015). Collection method: clinical testing. Allele origin: germline.
Comment: This sequence change affects codon 351 of the NOTCH3 mRNA. It is a 'silent' change, meaning that it does not change the encoded amino acid sequence of the NOTCH3 protein. In summary, the available evidence is currently insufficient to determine the role of this variant in disease. Therefore, it has been classified as a Variant of Uncertain Significance. Algorithms developed to predict the effect of sequence changes on RNA splicing suggest that this variant may create or strengthen a splice site. This variant has not been reported in the literature in individuals affected with NOTCH3-related conditions. This variant is not present in population databases (gnomAD no frequency).

NM_000435.3(NOTCH3):c.1053G>A (p.Leu351=)

Gene: NOTCH3 (notch receptor 3; minus strand). Cytogenetic location: 19p13.12.
Variant type: single nucleotide variant.
Coding change: c.1053G>A on transcript NM_000435.3 (MANE Select); coding-DNA position 1053, G replaced by A.
Protein change: p.Leu351=; no amino-acid change (leucine 351 retained).
Molecular consequence: synonymous variant.
Genome position (GRCh38, 1-based): chr19:15,189,412, C>T on the plus strand (G>A on the coding strand, the complement: NOTCH3 is on the minus strand). VCF-style: chr19-15189412-C-T. GRCh37 (hg19) VCF-style: chr19-15300223-C-T.
Identifiers: ClinVar variation 2099949 (VCV002099949.4), dbSNP rs2512662139, ClinGen allele CA505827700.